The following is an entry in ClinVar:

ClinVar aggregate classification (germline): Pathogenic (1 of 4 stars; one submission).

Submission:

CeGaT Center for Human Genetics Tuebingen
Classification: Pathogenic. Last evaluated: 2026-01-01. Review status: criteria provided, single submitter. Criteria: CeGaT Center For Human Genetics Tuebingen Variant Classification Criteria Version 2. Collection method: clinical testing. Allele origin: germline. Affected: yes. Observed: 1 variant allele.
Comment: USP9X: PVS1, PM2, PS2:Supporting

NM_001039591.3(USP9X):c.2515_2516del (p.Ser839fs)

Gene: USP9X (ubiquitin specific peptidase 9 X-linked; plus strand). Cytogenetic location: Xp11.4.
Variant type: Deletion.
Coding change: c.2515_2516del on transcript NM_001039591.3 (MANE Select); coding-DNA positions 2515 to 2516, 2 bases deleted (AG; older notation c.2515_2516delAG).
Protein change: p.Ser839fs; shifts the reading frame from serine 839.
Molecular consequence: frameshift variant.
Genome position (GRCh38, 1-based): chrX:41,168,097-41,168,098, AG deleted. VCF-style (leftmost placement, unchanged base first): chrX-41168096-CAG-C. GRCh37 (hg19) VCF-style: chrX-41027349-CAG-C.
Other names: c.2515_2516del, p.Ser839fs (NM_001039590.3); c.2530_2531del, p.Ser844fs (NM_001410748.1, NM_001410749.1, NM_001437534.1); short protein forms S839fs, S844fs.
Identifiers: ClinVar variation 4822954 (VCV004822954.4).